The following is an entry in ClinVar:

ClinVar aggregate classification (germline): Uncertain significance (1 of 4 stars; one submission).

Allele frequency attached by ClinVar (database versions not stated): gnomAD 0.00001; gnomAD exomes 0.00001; TOPMed 0.00002.
gnomAD v4.1: 24 of 1,608,288 alleles (0.0015%); highest among the groups gnomAD compares: Non-Finnish European, 0.0017%; no homozygotes.

Submission:

Labcorp Genetics (formerly Invitae), Labcorp
Classification: Uncertain significance. Last evaluated: 2024-03-11. Review status: criteria provided, single submitter. Criteria: Invitae Variant Classification Sherloc (09022015). Collection method: clinical testing. Allele origin: germline.
Comment: This sequence change falls in intron 10 of the CDHR1 gene. It does not directly change the encoded amino acid sequence of the CDHR1 protein. It affects a nucleotide within the consensus splice site. The frequency data for this variant in the population databases is considered unreliable, as metrics indicate poor data quality at this position in the gnomAD database. This variant has not been reported in the literature in individuals affected with CDHR1-related conditions. ClinVar contains an entry for this variant (Variation ID: 1055728). Variants that disrupt the consensus splice site are a relatively common cause of aberrant splicing (PMID: 17576681, 9536098). Algorithms developed to predict the effect of sequence changes on RNA splicing suggest that this variant is not likely to affect RNA splicing. In summary, the available evidence is currently insufficient to determine the role of this variant in disease. Therefore, it has been classified as a Variant of Uncertain Significance.

Literature cited by the submitters: PubMed 17576681; PubMed 9536098.

NM_033100.4(CDHR1):c.963+6C>A

Gene: CDHR1 (cadherin related family member 1; plus strand). Cytogenetic location: 10q23.1.
Variant type: single nucleotide variant.
Coding change: c.963+6C>A on transcript NM_033100.4 (MANE Select); 6 bases into the intron after coding-DNA position 963, C replaced by A.
Molecular consequence: intron variant.
Genome position (GRCh38, 1-based): chr10:84,205,933, C>A. VCF-style: chr10-84205933-C-A. GRCh37 (hg19) VCF-style: chr10-85965689-C-A.
Other names: c.963+6C>A (NM_001171971.3).
Identifiers: ClinVar variation 1055728 (VCV001055728.8), dbSNP rs1287033239, ClinGen allele CA594736728.